The following is an entry in ClinVar:

ClinVar aggregate classification (germline): Uncertain significance (1 of 4 stars; one submission).

Allele frequency attached by ClinVar (database versions not stated): gnomAD exomes below 0.00001; ExAC 0.00001.

Submission:

Labcorp Genetics (formerly Invitae), Labcorp
Classification: Uncertain significance. Last evaluated: 2023-02-26. Review status: criteria provided, single submitter. Criteria: Invitae Variant Classification Sherloc (09022015). Collection method: clinical testing. Allele origin: germline.
Comment: In summary, the available evidence is currently insufficient to determine the role of this variant in disease. Therefore, it has been classified as a Variant of Uncertain Significance. Experimental studies and prediction algorithms are not available or were not evaluated, and the functional significance of this variant is currently unknown. This variant has not been reported in the literature in individuals affected with SRP54-related conditions. This variant is present in population databases (rs757124156, gnomAD 0.0009%). This sequence change replaces methionine, which is neutral and non-polar, with leucine, which is neutral and non-polar, at codon 495 of the SRP54 protein (p.Met495Leu).

NM_003136.4(SRP54):c.1483A>T (p.Met495Leu)

Gene: SRP54 (signal recognition particle 54; plus strand). Cytogenetic location: 14q13.2.
Variant type: single nucleotide variant.
Coding change: c.1483A>T on transcript NM_003136.4 (MANE Select); coding-DNA position 1483, A replaced by T.
Protein change: p.Met495Leu; replaces methionine 495 with leucine.
Molecular consequence: missense variant.
Genome position (GRCh38, 1-based): chr14:35,029,120, A>T. VCF-style: chr14-35029120-A-T. GRCh37 (hg19) VCF-style: chr14-35498326-A-T.
Other names: c.1336A>T, p.Met446Leu (NM_001146282.2); c.1312A>T, p.Met438Leu (NM_001411017.1); short protein forms M438L, M446L, M495L.
Identifiers: ClinVar variation 2870179 (VCV002870179.3), dbSNP rs757124156, ClinGen allele CA7153881.